The following is an entry in ClinVar:

NM_000264.5(PTCH1):c.717G>A (p.Ala239=)

Gene: PTCH1 (patched 1; minus strand). Cytogenetic location: 9q22.32.
Variant type: single nucleotide variant.
Coding change: c.717G>A on transcript NM_000264.5 (MANE Select); coding-DNA position 717, G replaced by A.
Protein change: p.Ala239=; no amino-acid change (alanine 239 retained).
Molecular consequence: synonymous variant. On other transcripts: non-coding transcript variant (1).
Genome position (GRCh38, 1-based): chr9:95,481,978, C>T on the plus strand (G>A on the coding strand, the complement: PTCH1 is on the minus strand). VCF-style: chr9-95481978-C-T. GRCh37 (hg19) VCF-style: chr9-98244260-C-T.
Other names: c.519G>A, p.Ala173= (NM_001083602.3, NM_001354919.2); c.714G>A, p.Ala238= (NM_001083603.3); c.264G>A, p.Ala88= (NM_001083604.3, NM_001083605.3, NM_001083606.3 and 1 more transcripts); c.717G>A, p.Ala239= (NM_001354918.2).
Identifiers: ClinVar variation 453909 (VCV000453909.18), dbSNP rs775723196, ClinGen allele CA5138872.

ClinVar aggregate classification (germline): Likely benign. Review status: criteria provided, multiple submitters, no conflicts (2 of 4 stars). 4 submissions from 4 submitters: Likely benign (4). Last evaluated 2026-08-20.

Conditions:
Hereditary cancer-predisposing syndrome. Also called: Tumor predisposition; Hereditary neoplastic syndrome; Neoplastic Syndromes, Hereditary; Hereditary Cancer Syndrome. Identifiers: Orphanet 140162, MedGen C0027672, MeSH D009386, MONDO:0015356.
Gorlin syndrome. Also called: Nevoid Basal Cell Carcinoma Syndrome; Basal cell nevus syndrome. Identifiers: Orphanet 377, MedGen C0004779, MONDO:0007187.
PTCH1-related disorder. Also called: PTCH1-related disorders; PTCH1-related condition.

Allele frequency attached by ClinVar (database versions not stated): gnomAD 0.00001; gnomAD exomes 0.00001; ExAC 0.00002; TOPMed below 0.00001.
gnomAD v4.1: 18 of 1,613,448 alleles (0.0011%); highest among the groups gnomAD compares: Middle Eastern, 0.033%; no homozygotes.

Submissions (4):

PreventionGenetics, part of Exact Sciences
Classification: Likely benign for PTCH1-related condition. Last evaluated: 2026-08-20. Review status: criteria provided, single submitter. Criteria: ACMG Guidelines, 2015. Collection method: clinical testing. Allele origin: germline.
Comment: This variant is classified as likely benign based on ACMG/AMP sequence variant interpretation guidelines (Richards et al. 2015 PMID: 25741868, with internal and published modifications).

Labcorp Genetics (formerly Invitae), Labcorp
Classification: Likely benign for Gorlin syndrome. Last evaluated: 2026-01-05. Review status: criteria provided, single submitter. Criteria: Invitae Variant Classification Sherloc (09022015). Collection method: clinical testing. Allele origin: germline.

Quest Diagnostics Nichols Institute San Juan Capistrano
Classification: Likely benign. Last evaluated: 2021-04-02. Review status: criteria provided, single submitter. Criteria: Quest Diagnostics criteria. Collection method: clinical testing. Allele origin: unknown.

Ambry Genetics
Classification: Likely benign for Hereditary cancer-predisposing syndrome. Last evaluated: 2018-04-23. Review status: criteria provided, single submitter. Criteria: Ambry Variant Classification Scheme 2023. Collection method: clinical testing. Allele origin: germline.